The following is an entry in ClinVar:

NM_003873.7(NRP1):c.1287T>G (p.Tyr429Ter)

Gene: NRP1 (neuropilin 1; minus strand). Cytogenetic location: 10p11.22.
Variant type: single nucleotide variant.
Coding change: c.1287T>G on transcript NM_003873.7 (MANE Select); coding-DNA position 1287, T replaced by G.
Protein change: p.Tyr429Ter; replaces tyrosine 429 with a stop codon.
Molecular consequence: nonsense. On other transcripts: non-coding transcript variant (1).
Genome position (GRCh38, 1-based): chr10:33,213,713, A>C on the plus strand (T>G on the coding strand, the complement: NRP1 is on the minus strand). VCF-style: chr10-33213713-A-C. GRCh37 (hg19) VCF-style: chr10-33502641-A-C.
Other names: c.1287T>G, p.Tyr429Ter (NM_001024628.3, NM_001024629.3, NM_001244972.2 and 2 more transcripts); short protein forms Y429*.
Identifiers: ClinVar variation 5000631 (VCV005000631.1).

ClinVar aggregate classification (germline): Uncertain significance (1 of 4 stars; one submission).

Conditions:
NRP1-related disorder. Also called: NRP1-related condition.

Submission:

PreventionGenetics, part of Exact Sciences
Classification: Uncertain significance for NRP1-related condition. Last evaluated: 2025-03-27. Review status: criteria provided, single submitter. Criteria: ACMG Guidelines, 2015. Collection method: clinical testing. Allele origin: germline.
Comment: The NRP1 c.1287T>G variant is predicted to result in premature protein termination (p.Tyr429*). To our knowledge, this variant has not been reported in the literature or in a large population database (gnomAD), indicating this variant is rare. At this time, the clinical significance of this variant is uncertain due to the absence of conclusive functional and genetic evidence.